The following is an entry in ClinVar:

NM_017950.4(CCDC40):c.180G>A (p.Ala60=)

Gene: CCDC40 (coiled-coil domain 40 molecular ruler complex subunit; plus strand). Cytogenetic location: 17q25.3.
Variant type: single nucleotide variant.
Coding change: c.180G>A on transcript NM_017950.4 (MANE Select); coding-DNA position 180, G replaced by A.
Protein change: p.Ala60=; no amino-acid change (alanine 60 retained).
Molecular consequence: synonymous variant.
Genome position (GRCh38, 1-based): chr17:80,039,898, G>A. VCF-style: chr17-80039898-G-A. GRCh37 (hg19) VCF-style: chr17-78013697-G-A.
Other names: c.180G>A, p.Ala60= (NM_001243342.2, NM_001330508.2).
Identifiers: ClinVar variation 226490 (VCV000226490.21), dbSNP rs185006459, ClinGen allele CA8813390.
Genomic context (GRCh38, chr17:80,039,898, plus strand): 5'-CCAGAAAGGTGAAGAAGCTGTCGGTAGCACAGAGCATCCTGAGGAAGTCACAACCCAAGC[G>A]GAAGCTGCAATTGAAGAGGGGGAGGTGGAGACAGAAGGGGAAGCAGCAGTGGAAGGGGAA-3'
Protein context (NP_060420.2, residues 50-70): TEHPEEVTTQ[Ala60=]EAAIEEGEVE

ClinVar aggregate classification (germline): Benign/Likely benign. Review status: criteria provided, multiple submitters, no conflicts (2 of 4 stars). 6 submissions from 6 submitters: Benign (4); Likely benign (2). Last evaluated 2025-12-24.

Conditions:
Primary ciliary dyskinesia. Also called: Ciliary dyskinesia. Identifiers: Orphanet 244, MedGen C0008780, MONDO:0016575, HP:0012265.

Allele frequency attached by ClinVar (database versions not stated): gnomAD exomes 0.00016 and 0.00042; ExAC 0.00051; gnomAD 0.00169 and 0.00183; 1000 Genomes Project 0.00200; ESP Exome Variant Server 0.00203; TOPMed 0.00209; 1000 Genomes Project 30x 0.00234.
gnomAD v4.1: 512 of 1,613,776 alleles (0.032%); highest among the groups gnomAD compares: African/African-American, 0.6%; 1 homozygote.

Submissions (6):

Labcorp Genetics (formerly Invitae), Labcorp
Classification: Benign for Primary ciliary dyskinesia. Last evaluated: 2025-12-24. Review status: criteria provided, single submitter. Criteria: Invitae Variant Classification Sherloc (09022015). Collection method: clinical testing. Allele origin: germline.

Blueprint Genetics
Classification: Likely benign. Last evaluated: 2024-03-11. Review status: criteria provided, single submitter. Criteria: ACMG Guidelines, 2015. Collection method: clinical testing. Allele origin: germline.

Ambry Genetics
Classification: Benign for Primary ciliary dyskinesia. Last evaluated: 2017-05-18. Review status: criteria provided, single submitter. Criteria: Ambry Variant Classification Scheme 2023. Collection method: clinical testing. Allele origin: germline.

Eurofins Ntd Llc (ga)
Classification: Benign. Last evaluated: 2016-12-29. Review status: criteria provided, single submitter. Criteria: EGL Classification Definitions 2015. Collection method: clinical testing. Allele origin: germline. Observed: 1 variant allele, 1 heterozygote.

Laboratory for Molecular Medicine, Mass General Brigham Personalized Medicine
Classification: Benign. Last evaluated: 2013-02-21. Review status: criteria provided, single submitter. Criteria: LMM Criteria. Collection method: clinical testing. Allele origin: germline. Observed: 1 variant allele.
Comment: Ala60Ala in exon 3 of CCDC40: This variant is not expected to have clinical sign ificance because it does not alter an amino acid residue and is not located with in the splice consensus sequence. It has been identified in 0.6% (25/4002) of Af rican American chromosomes from a broad population by the NHLBI Exome Sequencing Project (dbSNP rs185006459).

PreventionGenetics, part of Exact Sciences
Classification: Likely benign. Review status: criteria provided, single submitter. Criteria: ACMG Guidelines, 2015. Collection method: clinical testing. Allele origin: germline.